The following is an entry in ClinVar:

NM_000533.5(PLP1):c.647C>T (p.Pro216Leu)

Genes: PLP1 (proteolipid protein 1; plus strand), RAB9B (RAB9B, member RAS oncogene family; minus strand). Cytogenetic location: Xq22.2.
Variant type: single nucleotide variant.
Coding change: c.647C>T on transcript NM_000533.5 (MANE Select); coding-DNA position 647, C replaced by T.
Protein change: p.Pro216Leu; replaces proline 216 with leucine.
Molecular consequence: missense variant.
Genome position (GRCh38, 1-based): chrX:103,788,461, C>T. VCF-style: chrX-103788461-C-T. GRCh37 (hg19) VCF-style: chrX-103043390-C-T.
Other names: c.647C>T, p.Pro216Leu (NM_001128834.3); c.482C>T, p.Pro161Leu (NM_001305004.1); c.542C>T, p.Pro181Leu (NM_199478.3); short protein forms P161L, P181L, P216L.
Identifiers: ClinVar variation 1068182 (VCV001068182.14), dbSNP rs2147766958, ClinGen allele CA414104290.
Genomic context (GRCh38, chrX:103,788,461, plus strand): 5'-AAAGCTTACCCTGCTTGCTTTTTGTGTCTTACTTAGGTGTTCTCCCATGGAATGCTTTCC[C>T]TGGCAAGGTTTGTGGCTCCAACCTTCTGTCCATCTGCAAAACAGCTGAGGTGAGTGGGTT-3'
Protein context (NP_000524.3, residues 206-226): MYGVLPWNAF[Pro216Leu]GKVCGSNLLS

ClinVar aggregate classification (germline): Likely pathogenic. Review status: criteria provided, multiple submitters, no conflicts (2 of 4 stars). 4 submissions from 4 submitters: Likely pathogenic (4). Last evaluated 2023-10-24.

Conditions:
Pelizaeus-Merzbacher disease. Also called: Pelizeaus-Merzbacher spectrum disorder; Sudanophilic leukodystrophy; Pelizaeus-Merzbacher spectrum disorder; Pelizaeus-Merzbacher Disease (PMD); LEUKODYSTROPHY, HYPOMYELINATING, 1. Identifiers: Orphanet 702, MedGen C0205711, MONDO:0010714, OMIM 312080, HP:0003269.
Hereditary spastic paraplegia 2 (SPG2). Also called: Spastic Paraplegia 2 (SPG2); SPASTIC PARAPLEGIA 2, X-LINKED. Identifiers: Orphanet 99015, MedGen C0751604, MONDO:0010733, OMIM 312920.

Submissions (4):

GeneDx
Classification: Likely pathogenic. Last evaluated: 2023-10-24. Review status: criteria provided, single submitter. Criteria: GeneDx Variant Classification Process June 2021. Collection method: clinical testing. Allele origin: germline.
Comment: Not observed at significant frequency in large population cohorts (gnomAD); Missense variants in this gene are often considered pathogenic (HGMD); In silico analysis supports that this missense variant has a deleterious effect on protein structure/function; This variant is associated with the following publications: (PMID: 15450775)

Labcorp Genetics (formerly Invitae), Labcorp
Classification: Likely pathogenic for Hereditary spastic paraplegia 2. Last evaluated: 2022-08-09. Review status: criteria provided, single submitter. Criteria: Invitae Variant Classification Sherloc (09022015). Collection method: clinical testing. Allele origin: germline.
Comment: In summary, the currently available evidence indicates that the variant is pathogenic, but additional data are needed to prove that conclusively. Therefore, this variant has been classified as Likely Pathogenic. This variant disrupts the p.Pro216 amino acid residue in PLP1. Other variant(s) that disrupt this residue have been determined to be pathogenic (PMID: 2773936, 11093273, 22016529, 24936452). This suggests that this residue is clinically significant, and that variants that disrupt this residue are likely to be disease-causing. Algorithms developed to predict the effect of missense changes on protein structure and function are either unavailable or do not agree on the potential impact of this missense change (SIFT: "Not Available"; PolyPhen-2: "Probably Damaging"; Align-GVGD: "Not Available"). ClinVar contains an entry for this variant (Variation ID: 1068182). This variant is also known as C644T (Pro215Leu). This missense change has been observed in individual(s) with hereditary spastic paraplegia (PMID: 15450775). In at least one individual the variant was observed to be de novo. This variant is not present in population databases (gnomAD no frequency). This sequence change replaces proline, which is neutral and non-polar, with leucine, which is neutral and non-polar, at codon 216 of the PLP1 protein (p.Pro216Leu).

Institute of Human Genetics Munich, TUM University Hospital
Classification: Likely pathogenic for Hereditary spastic paraplegia 2. Last evaluated: 2022-05-18. Review status: criteria provided, single submitter. Criteria: Classification criteria August 2017. Collection method: clinical testing. Allele origin: maternal. Inheritance: X-linked inheritance. Affected: yes. Observed: 2 variant alleles.

Molecular Diagnostics Lab, Nemours Children's Health, Delaware
Classification: Likely pathogenic for Pelizaeus-Merzbacher disease. Last evaluated: 2021-12-21. Review status: criteria provided, single submitter. Criteria: ACMG Guidelines, 2015. Collection method: clinical testing. Allele origin: unknown. Inheritance: X-linked inheritance. Affected: yes. Observed: 1 hemizygote.
Comment: This missense variant (c.647T>C, p.Pro216Leu) has not been observed in population databases (gnomAD). It has been described in the literature (PMID 15450775). Variant prediction programs support a deleterious effect on the protein, although no functional studies have been published. Functional studeis have reported a deleterious effect for a different change within the same codon (p.Pro216Ser; PMID 24936452, PMID 22016529, PMID 11093273).

Literature cited by the submitters: PubMed 2773936 (cited by Labcorp Genetics (formerly Invitae), Labcorp); PubMed 11093273 (cited by Labcorp Genetics (formerly Invitae), Labcorp); PubMed 22016529 (cited by Labcorp Genetics (formerly Invitae), Labcorp); PubMed 24936452 (cited by Labcorp Genetics (formerly Invitae), Labcorp); PubMed 15450775 (cited by Labcorp Genetics (formerly Invitae), Labcorp and Molecular Diagnostics Lab, Nemours Children's Health, Delaware).